The following is an entry in ClinVar:

ClinVar aggregate classification (germline): Uncertain significance (1 of 4 stars; one submission).

Conditions:
Inborn genetic diseases. Identifiers: MedGen C0950123, MeSH D030342.

gnomAD v4.1: 1 of 1,612,154 alleles (0.000062%); no homozygotes.

Submission:

Ambry Genetics
Classification: Uncertain significance for Inborn genetic diseases. Last evaluated: 2025-02-07. Review status: criteria provided, single submitter. Criteria: Ambry Variant Classification Scheme 2023. Collection method: clinical testing. Allele origin: germline.
Comment: The p.I304V variant (also known as c.910A>G), located in coding exon 7 of the KDM1A gene, results from an A to G substitution at nucleotide position 910. The isoleucine at codon 304 is replaced by valine, an amino acid with highly similar properties. This amino acid position is conserved. In addition, this alteration is predicted to be tolerated by in silico analysis. Based on the available evidence, the clinical significance of this variant remains unclear.

NM_001009999.3(KDM1A):c.910A>G (p.Ile304Val)

Gene: KDM1A (lysine demethylase 1A; plus strand). Cytogenetic location: 1p36.12.
Variant type: single nucleotide variant.
Coding change: c.910A>G on transcript NM_001009999.3 (MANE Select); coding-DNA position 910, A replaced by G.
Protein change: p.Ile304Val; replaces isoleucine 304 with valine.
Molecular consequence: missense variant.
Genome position (GRCh38, 1-based): chr1:23,055,958, A>G. VCF-style: chr1-23055958-A-G. GRCh37 (hg19) VCF-style: chr1-23382451-A-G.
Other names: c.850A>G, p.Ile284Val (NM_001363654.2, NM_001410763.1, NM_015013.4); c.910A>G, p.Ile304Val (NM_001410762.1); short protein forms I284V, I304V.
Identifiers: ClinVar variation 3863313 (VCV003863313.1).